The following is an entry in ClinVar:

ClinVar aggregate classification (germline): Uncertain significance (1 of 4 stars; one submission).

Conditions:
Hereditary cancer-predisposing syndrome. Also called: Tumor predisposition; Neoplastic Syndromes, Hereditary; Hereditary neoplastic syndrome; Hereditary Cancer Syndrome. Identifiers: Orphanet 140162, MedGen C0027672, MeSH D009386, MONDO:0015356.

Submission:

Ambry Genetics
Classification: Uncertain significance for Hereditary cancer-predisposing syndrome. Last evaluated: 2024-10-14. Review status: criteria provided, single submitter. Criteria: Ambry Variant Classification Scheme 2023. Collection method: clinical testing. Allele origin: germline.
Comment: The p.L140S variant (also known as c.419T>C), located in coding exon 3 of the SUFU gene, results from a T to C substitution at nucleotide position 419. The leucine at codon 140 is replaced by serine, an amino acid with dissimilar properties. This amino acid position is conserved. In addition, this alteration is predicted to be deleterious by in silico analysis. Based on the available evidence, the clinical significance of this variant remains unclear.

NM_016169.4(SUFU):c.419T>C (p.Leu140Ser)

Gene: SUFU (SUFU negative regulator of hedgehog signaling; plus strand). Cytogenetic location: 10q24.32.
Variant type: single nucleotide variant.
Coding change: c.419T>C on transcript NM_016169.4 (MANE Select); coding-DNA position 419, T replaced by C.
Protein change: p.Leu140Ser; replaces leucine 140 with serine.
Molecular consequence: missense variant.
Genome position (GRCh38, 1-based): chr10:102,550,071, T>C. VCF-style: chr10-102550071-T-C. GRCh37 (hg19) VCF-style: chr10-104309828-T-C.
Other names: c.419T>C, p.Leu140Ser (NM_001178133.2); short protein forms L140S.
Identifiers: ClinVar variation 3451140 (VCV003451140.1).